The following is an entry in ClinVar:

NM_000601.6(HGF):c.1272-4A>G

Gene: HGF (hepatocyte growth factor; minus strand). Cytogenetic location: 7q21.11.
Variant type: single nucleotide variant.
Coding change: c.1272-4A>G on transcript NM_000601.6 (MANE Select); 4 bases into the intron before coding-DNA position 1272, A replaced by G.
Molecular consequence: intron variant.
Genome position (GRCh38, 1-based): chr7:81,717,369, T>C on the plus strand (A>G on the coding strand, the complement: HGF is on the minus strand). VCF-style: chr7-81717369-T-C. GRCh37 (hg19) VCF-style: chr7-81346685-T-C.
Other names: p.?; c.1257-4A>G (NM_001010932.3).
Identifiers: ClinVar variation 43607 (VCV000043607.24), dbSNP rs1800793, ClinGen allele CA132815.

ClinVar aggregate classification (germline): Benign/Likely benign. Review status: criteria provided, multiple submitters, no conflicts (2 of 4 stars). 10 submissions from 10 submitters: Benign (7); Likely benign (1). 2 of the submissions do not count toward it. Last evaluated 2026-02-04.

Conditions:
Autosomal recessive nonsyndromic hearing loss 39. Identifiers: Orphanet 90636, MedGen C1842342, MONDO:0012003, OMIM 608265.

Allele frequency attached by ClinVar (database versions not stated): ESP Exome Variant Server 0.75304; gnomAD 0.76662; TOPMed 0.76695; 1000 Genomes Project 0.79832; 1000 Genomes Project 30x 0.79841.
gnomAD v4.1: 1,283,518 of 1,611,274 alleles (80%); highest among the groups gnomAD compares: East Asian, 88%; 512,840 homozygotes.

Submissions (10):

Labcorp Genetics (formerly Invitae), Labcorp
Classification: Benign. Last evaluated: 2026-02-04. Review status: criteria provided, single submitter. Criteria: Invitae Variant Classification Sherloc (09022015). Collection method: clinical testing. Allele origin: germline.

Genome-Nilou Lab
Classification: Benign for Autosomal recessive nonsyndromic hearing loss 39. Last evaluated: 2021-08-10. Review status: criteria provided, single submitter. Criteria: ACMG Guidelines, 2015. Collection method: clinical testing. Allele origin: germline. Affected: no.

Mayo Clinic Laboratories, Mayo Clinic
Classification: Benign. Last evaluated: 2020-07-17. Review status: criteria provided, single submitter. Criteria: ACMG Guidelines, 2015. Collection method: clinical testing. Allele origin: germline. Observed: 150 variant alleles.

GeneDx
Classification: Benign. Last evaluated: 2017-05-09. Review status: criteria provided, single submitter. Criteria: GeneDx Variant Classification (06012015). Collection method: clinical testing. Allele origin: germline. Affected: yes.
Comment: This variant is considered likely benign or benign based on one or more of the following criteria: it is a conservative change, it occurs at a poorly conserved position in the protein, it is predicted to be benign by multiple in silico algorithms, and/or has population frequency not consistent with disease.

Genome Diagnostics Laboratory, University Medical Center Utrecht
Classification: Benign for Autosomal recessive nonsyndromic hearing loss 39. Last evaluated: 2015-12-23. Review status: criteria provided, single submitter. Criteria: ACGS Guidelines, 2013. Collection method: clinical testing. Allele origin: germline. Affected: yes. Study: VKGL Data-share Consensus.

Laboratory for Molecular Medicine, Mass General Brigham Personalized Medicine
Classification: Benign. Last evaluated: 2012-05-07. Review status: criteria provided, single submitter. Criteria: LMM Criteria. Collection method: clinical testing. Allele origin: germline. Observed: 1,597 variant alleles.
Comment: 1272-4A>G in Intron 10 of HGF: This variant is not expected to have clinical sig nificance because it is not located within the conserved splice consensus sequen ce and has been identified in 33.4% (1248/3738) of African American chromosomes from a broad population by the NHLBI Exome Sequencing Project (dbSNP rs1800793).

Breakthrough Genomics
Classification: Likely benign. Review status: criteria provided, single submitter. Criteria: ACMG Guidelines, 2015. Collection method: not provided. Allele origin: germline. Inheritance: Autosomal recessive inheritance. Affected: yes.

PreventionGenetics, part of Exact Sciences
Classification: Benign. Review status: criteria provided, single submitter. Criteria: ACMG Guidelines, 2015. Collection method: clinical testing. Allele origin: germline.

Clinical Genetics, Academic Medical Center
Classification: Benign. Review status: no assertion criteria provided. Collection method: clinical testing. Allele origin: germline. Affected: yes. Study: VKGL Data-share Consensus. Not counted in ClinVar's aggregate classification.

Joint Genome Diagnostic Labs from Nijmegen and Maastricht, Radboudumc and MUMC+
Classification: Benign. Review status: no assertion criteria provided. Collection method: clinical testing. Allele origin: germline. Affected: yes. Study: VKGL Data-share Consensus. Not counted in ClinVar's aggregate classification.